The following is an entry in ClinVar:

ClinVar aggregate classification (germline): Likely pathogenic. Review status: reviewed by expert panel (3 of 4 stars). 2 submissions from 2 submitters: Likely pathogenic (1). 1 of the submissions does not count toward it. Last evaluated 2026-10-05.

Conditions:
Hereditary thrombocytopenia and hematologic cancer predisposition syndrome. Identifiers: Orphanet 71290, MedGen CN281654, MONDO:0011071.

Submissions (2):

ClinGen Myeloid Malignancy Variant Curation Expert Panel
Classification: Likely pathogenic for Hereditary thrombocytopenia and hematologic cancer predisposition syndrome. Last evaluated: 2026-10-05. Review status: reviewed by expert panel. Criteria: ClinGen MyeloMalig ACMG Specifications V3.1. Collection method: curation. Allele origin: germline. Inheritance: Autosomal dominant inheritance.
Comment: NM_001754.5(RUNX1):c.400G>A (p.Ala134Thr) is a missense variant which affects one of the hotspot residues (Ala134) within the RHD (amino acids 89-204; PM1_Strong). This variant has a REVEL score ≥ 0.88 (0.96) (PP3) and is completely absent from all population databases with at least 20x coverage for RUNX1 (PM2_Supporting). In summary, this variant meets the criteria to be classified as likely pathogenic. ACMG/AMP criteria applied, as specified by the Myeloid Malignancy Variant Curation Expert Panel for RUNX1: PM1_Strong, PP3, PM2_Supporting.

CeGaT Center for Human Genetics Tuebingen
Classification: Likely pathogenic. Last evaluated: 2024-12-01. Review status: criteria provided, single submitter. Criteria: CeGaT Center For Human Genetics Tuebingen Variant Classification Criteria Version 2. Collection method: clinical testing. Allele origin: germline. Affected: yes. Observed: 1 variant allele. Not counted in ClinVar's aggregate classification.
Comment: RUNX1: PM1, PM2, PM5, PP3

NM_001754.5(RUNX1):c.400G>A (p.Ala134Thr)

Genes: RUNX1 (RUNX family transcription factor 1; minus strand), RUNX1-AS1 (RUNX1 antisense RNA 1; plus strand). Cytogenetic location: 21q22.12.
Variant type: single nucleotide variant.
Coding change: c.400G>A on transcript NM_001754.5 (MANE Select); coding-DNA position 400, G replaced by A.
Protein change: p.Ala134Thr; replaces alanine 134 with threonine.
Molecular consequence: missense variant.
Genome position (GRCh38, 1-based): chr21:34,880,665, C>T on the plus strand (G>A on the coding strand, the complement: RUNX1 is on the minus strand). VCF-style: chr21-34880665-C-T. GRCh37 (hg19) VCF-style: chr21-36252962-C-T.
Other names: NM_001754.5(RUNX1):c.400G>A; p.Ala134Thr; c.319G>A, p.Ala107Thr (NM_001001890.3, NM_001122607.2); short protein forms A107T, A134T.
Identifiers: ClinVar variation 3772099 (VCV003772099.15).